The following is an entry in ClinVar:

NM_007294.4(BRCA1):c.2684A>C (p.Gln895Pro)

Gene: BRCA1 (BRCA1 DNA repair associated; minus strand). Cytogenetic location: 17q21.31.
Variant type: single nucleotide variant.
Coding change: c.2684A>C on transcript NM_007294.4 (MANE Select); coding-DNA position 2684, A replaced by C.
Protein change: p.Gln895Pro; replaces glutamine 895 with proline.
Molecular consequence: missense variant. On other transcripts: intron variant (137).
Genome position (GRCh38, 1-based): chr17:43,092,847, T>G on the plus strand (A>C on the coding strand, the complement: BRCA1 is on the minus strand). VCF-style: chr17-43092847-T-G. GRCh37 (hg19) VCF-style: chr17-41244864-T-G.
Other names: c.2420A>C, p.Gln807Pro (NM_001407929.1, NM_001407933.1, NM_001407935.1 and 9 more transcripts); c.2417A>C, p.Gln806Pro (NM_001407930.1, NM_001407931.1, NM_001407932.1 and 2 more transcripts); c.2561A>C, p.Gln854Pro (NM_001407937.1, NM_001407938.1, NM_001407939.1 and 19 more transcripts); c.2558A>C, p.Gln853Pro (NM_001407940.1, NM_001407941.1, NM_001407649.1 and 11 more transcripts); c.2543A>C, p.Gln848Pro (NM_001407942.1, NM_001407944.1, NM_001407945.1 and 29 more transcripts); c.2540A>C, p.Gln847Pro (NM_001407943.1, NM_001407964.1, NM_001407740.1 and 20 more transcripts); c.2351A>C, p.Gln784Pro (NM_001407946.1, NM_001407947.1, NM_001407948.1 and 6 more transcripts); c.2348A>C, p.Gln783Pro (NM_001407954.1, NM_001407955.1, NM_001407956.1 and 1 more transcripts); and 41 more; short protein forms Q848P, Q895P, Q767P, Q768P, Q824P, Q825P, Q894P, Q727P.
Identifiers: ClinVar variation 957939 (VCV000957939.15), dbSNP rs587781914, ClinGen allele CA10596632.

ClinVar aggregate classification (germline): Conflicting classifications of pathogenicity. Review status: criteria provided, conflicting classifications (1 of 4 stars). 3 submissions from 3 submitters: Uncertain significance (2); Likely benign (1). Last evaluated 2023-03-26.

Conditions:
Hereditary cancer-predisposing syndrome. Also called: Tumor predisposition; Hereditary neoplastic syndrome; Neoplastic Syndromes, Hereditary; Hereditary Cancer Syndrome. Identifiers: Orphanet 140162, MedGen C0027672, MeSH D009386, MONDO:0015356.
Hereditary breast ovarian cancer syndrome. Also called: Hereditary breast and ovarian cancer; BRCA1- and BRCA2-Associated Hereditary Breast and Ovarian Cancer; Hereditary breast and/or ovarian cancer syndrome; Hereditary breast and ovarian cancer syndrome; Hereditary breast and ovarian cancer syndrome (HBOC); Breast and ovarian cancer. Identifiers: Orphanet 145, MedGen C0677776, MeSH D061325, MONDO:0003582. Disease mechanism: loss of function.

Submissions (3):

Labcorp Genetics (formerly Invitae), Labcorp
Classification: Uncertain significance for Hereditary breast ovarian cancer syndrome. Last evaluated: 2023-03-26. Review status: criteria provided, single submitter. Criteria: Invitae Variant Classification Sherloc (09022015). Collection method: clinical testing. Allele origin: germline.
Comment: In summary, the available evidence is currently insufficient to determine the role of this variant in disease. Therefore, it has been classified as a Variant of Uncertain Significance. Advanced modeling of protein sequence and biophysical properties (such as structural, functional, and spatial information, amino acid conservation, physicochemical variation, residue mobility, and thermodynamic stability) performed at Invitae indicates that this missense variant is not expected to disrupt BRCA1 protein function. ClinVar contains an entry for this variant (Variation ID: 957939). This variant has not been reported in the literature in individuals affected with BRCA1-related conditions. This variant is not present in population databases (gnomAD no frequency). This sequence change replaces glutamine, which is neutral and polar, with proline, which is neutral and non-polar, at codon 895 of the BRCA1 protein (p.Gln895Pro).

University of Washington Department of Laboratory Medicine, University of Washington
Classification: Likely benign for Hereditary cancer-predisposing syndrome. Last evaluated: 2023-03-23. Review status: criteria provided, single submitter. Criteria: Dines et al. (Genet Med. 2020). Collection method: curation. Allele origin: germline.
Comment: Missense variant in a coldspot region where missense variants are very unlikely to be pathogenic (PMID:31911673).

BRCA1 coldspot (exon 11 using historical exon numbering). Reclassification based on statistical prior probability

Ambry Genetics
Classification: Uncertain significance for Hereditary cancer-predisposing syndrome. Last evaluated: 2021-09-02. Review status: criteria provided, single submitter. Criteria: Ambry Variant Classification Scheme 2023. Collection method: clinical testing. Allele origin: germline.
Comment: The p.Q895P variant (also known as c.2684A>C), located in coding exon 9 of the BRCA1 gene, results from an A to C substitution at nucleotide position 2684. The glutamine at codon 895 is replaced by proline, an amino acid with similar properties. This amino acid position is conserved. In addition, this alteration is predicted to be tolerated by in silico analysis. Since supporting evidence is limited at this time, the clinical significance of this alteration remains unclear.